The following is an entry in ClinVar:

ClinVar aggregate classification (germline): Benign/Likely benign. Review status: criteria provided, multiple submitters, no conflicts (2 of 4 stars). 3 submissions from 3 submitters: Benign (1); Likely benign (2). Last evaluated 2025-01-21.

Conditions:
Hereditary cancer-predisposing syndrome. Also called: Tumor predisposition; Neoplastic Syndromes, Hereditary; Hereditary Cancer Syndrome; Hereditary neoplastic syndrome. Identifiers: Orphanet 140162, MedGen C0027672, MeSH D009386, MONDO:0015356.
Familial cancer of breast. Also called: Hereditary breast cancer; BREAST CANCER, FAMILIAL; hereditary breast carcinoma. Identifiers: Orphanet 227535, MedGen C0346153, MONDO:0016419, OMIM 114480. Disease mechanism: loss of function.

Submissions (3):

Myriad Genetics, Inc.
Classification: Benign for Familial cancer of breast. Last evaluated: 2025-01-21. Review status: criteria provided, single submitter. Criteria: Myriad Autosomal Dominant, Autosomal Recessive and X-Linked Classification Criteria (2023). Collection method: clinical testing. Allele origin: unknown.
Comment: This variant is considered benign. This variant is a silent/synonymous amino acid change and it is not expected to impact splicing.

Labcorp Genetics (formerly Invitae), Labcorp
Classification: Likely benign for Familial cancer of breast. Last evaluated: 2023-11-30. Review status: criteria provided, single submitter. Criteria: Invitae Variant Classification Sherloc (09022015). Collection method: clinical testing. Allele origin: germline.

Ambry Genetics
Classification: Likely benign for Hereditary cancer-predisposing syndrome. Last evaluated: 2020-10-13. Review status: criteria provided, single submitter. Criteria: Ambry Variant Classification Scheme 2023. Collection method: clinical testing. Allele origin: germline.

NM_024675.4(PALB2):c.3084T>C (p.Gly1028=)

Gene: PALB2 (partner and localizer of BRCA2; minus strand). Cytogenetic location: 16p12.2.
Variant type: single nucleotide variant.
Coding change: c.3084T>C on transcript NM_024675.4 (MANE Select); coding-DNA position 3084, T replaced by C.
Protein change: p.Gly1028=; no amino-acid change (glycine 1028 retained).
Molecular consequence: synonymous variant. On other transcripts: intron variant (1).
Genome position (GRCh38, 1-based): chr16:23,621,391, A>G on the plus strand (T>C on the coding strand, the complement: PALB2 is on the minus strand). VCF-style: chr16-23621391-A-G. GRCh37 (hg19) VCF-style: chr16-23632712-A-G.
Other names: c.3024T>C, p.Gly1008= (NM_001407296.1); c.3012T>C, p.Gly1004= (NM_001407297.1); c.2922T>C, p.Gly974= (NM_001407298.1, NM_001407302.1); c.3084T>C, p.Gly1028= (NM_001407299.1, NM_001407301.1); c.2199T>C, p.Gly733= (NM_001407304.1, NM_001407305.1, NM_001407306.1 and 4 more transcripts); c.2037T>C, p.Gly679= (NM_001407307.1); c.1296T>C, p.Gly432= (NM_001407312.1, NM_001407313.1); c.618T>C, p.Gly206= (NM_001407314.1); and 1 more.
Identifiers: ClinVar variation 1727395 (VCV001727395.6), dbSNP rs2142326500, ClinGen allele CA494180134.